The following is an entry in ClinVar:

NM_001430.5(EPAS1):c.1375G>A (p.Val459Met)

Gene: EPAS1 (endothelial PAS domain protein 1; plus strand). Cytogenetic location: 2p21.
Variant type: single nucleotide variant.
Coding change: c.1375G>A on transcript NM_001430.5 (MANE Select); coding-DNA position 1375, G replaced by A.
Protein change: p.Val459Met; replaces valine 459 with methionine.
Molecular consequence: missense variant.
Genome position (GRCh38, 1-based): chr2:46,378,019, G>A. VCF-style: chr2-46378019-G-A. GRCh37 (hg19) VCF-style: chr2-46605158-G-A.
Other names: short protein forms V459M.
Identifiers: ClinVar variation 1771139 (VCV001771139.2), dbSNP rs1457723486, ClinGen allele CA346703950.

ClinVar aggregate classification (germline): Uncertain significance (1 of 4 stars; one submission).

Conditions:
Inborn genetic diseases. Identifiers: MedGen C0950123, MeSH D030342.

Allele frequency attached by ClinVar (database versions not stated): gnomAD exomes 0.00001.
gnomAD v4.1: 11 of 1,602,194 alleles (0.00069%); highest among the groups gnomAD compares: South Asian, 0.0023%; no homozygotes.

Submission:

Ambry Genetics
Classification: Uncertain significance for Inborn genetic diseases. Last evaluated: 2024-02-23. Review status: criteria provided, single submitter. Criteria: Ambry Variant Classification Scheme 2023. Collection method: clinical testing. Allele origin: germline.
Comment: The p.V459M variant (also known as c.1375G>A), located in coding exon 10 of the EPAS1 gene, results from a G to A substitution at nucleotide position 1375. The valine at codon 459 is replaced by methionine, an amino acid with highly similar properties. This amino acid position is conserved. In addition, this alteration is predicted to be tolerated by in silico analysis. Since supporting evidence is limited at this time, the clinical significance of this alteration remains unclear.